The following is an entry in ClinVar:

ClinVar aggregate classification (germline): Likely pathogenic (1 of 4 stars; one submission).

Conditions:
Hereditary breast ovarian cancer syndrome. Also called: Hereditary breast and/or ovarian cancer syndrome; Hereditary breast and ovarian cancer syndrome (HBOC); Breast and ovarian cancer; Hereditary breast and ovarian cancer; Hereditary breast and ovarian cancer syndrome; BRCA1- and BRCA2-Associated Hereditary Breast and Ovarian Cancer. Identifiers: Orphanet 145, MedGen C0677776, MeSH D061325, MONDO:0003582. Disease mechanism: loss of function.

Allele frequency attached by ClinVar (database versions not stated): gnomAD exomes below 0.00001.
gnomAD v4.1: 1 of 1,613,724 alleles (0.000062%); highest among the groups gnomAD compares: Admixed American, 0.0017%; no homozygotes.

Submission:

Labcorp Genetics (formerly Invitae), Labcorp
Classification: Likely pathogenic for Hereditary breast ovarian cancer syndrome. Last evaluated: 2022-11-29. Review status: criteria provided, single submitter. Criteria: Invitae Variant Classification Sherloc (09022015). Collection method: clinical testing. Allele origin: germline.
Comment: Experimental studies have shown that this missense change affects BRCA2 function (PMID: 29394989). This variant is not present in population databases (gnomAD no frequency). This variant has not been reported in the literature in individuals affected with BRCA2-related conditions. ClinVar contains an entry for this variant (Variation ID: 1487627). Advanced modeling performed at Invitae incorporating data from internal and/or published experimental studies (PMID: 33609447) indicates that this missense variant is expected to disrupt BRCA2 function. This sequence change replaces glycine, which is neutral and non-polar, with arginine, which is basic and polar, at codon 3076 of the BRCA2 protein (p.Gly3076Arg). This variant disrupts the p.Gly3076 amino acid residue in BRCA2. Other variant(s) that disrupt this residue have been determined to be pathogenic (PMID: 11149425, 12569143, 19043619, 22711857, 23108138, 29161300, 29394989, 30078507, 30254663; 32814805)). This suggests that this residue is clinically significant, and that variants that disrupt this residue are likely to be disease-causing. In summary, the currently available evidence indicates that the variant is pathogenic, but additional data are needed to prove that conclusively. Therefore, this variant has been classified as Likely Pathogenic.

Literature cited by the submitters: PubMed 29394989; PubMed 33609447; PubMed 11149425; PubMed 12569143; PubMed 19043619; PubMed 22711857; PubMed 23108138; PubMed 29161300; PubMed 30078507; PubMed 30254663; PubMed 32814805.

NM_000059.4(BRCA2):c.9226G>A (p.Gly3076Arg)

Gene: BRCA2 (BRCA2 DNA repair associated; plus strand). Cytogenetic location: 13q13.1.
Variant type: single nucleotide variant.
Coding change: c.9226G>A on transcript NM_000059.4 (MANE Select); coding-DNA position 9226, G replaced by A.
Protein change: p.Gly3076Arg; replaces glycine 3076 with arginine.
Molecular consequence: missense variant.
Genome position (GRCh38, 1-based): chr13:32,380,115, G>A. VCF-style: chr13-32380115-G-A. GRCh37 (hg19) VCF-style: chr13-32954252-G-A.
Other names: short protein forms G3076R.
Identifiers: ClinVar variation 1487627 (VCV001487627.6), dbSNP rs1566253644, ClinGen allele CA387758500.
Genomic context (GRCh38, chr13:32,380,115, plus strand): 5'-CACTTCAGCAAATTTTTAGATCCAGACTTTCAGCCATCTTGTTCTGAGGTGGACCTAATA[G>A]GATTTGTCGTTTCTGTTGTGAAAAAAACAGGTAATGCACAATATAGTTAATTTTTTTTAT-3'
Protein context (NP_000050.3, residues 3066-3086): QPSCSEVDLI[Gly3076Arg]FVVSVVKKTG